The following is an entry in ClinVar:

ClinVar aggregate classification (germline): Pathogenic. Review status: criteria provided, multiple submitters, no conflicts (2 of 4 stars). 2 submissions from 2 submitters: Pathogenic (2). Last evaluated 2026-04-08.

Conditions:
Hypophosphataemia or rickets.

Submissions (2):

Cambridge Genomics Laboratory, East Genomic Laboratory Hub, NHS Genomic Medicine Service
Classification: Pathogenic for Hypophosphataemia or rickets. Last evaluated: 2026-04-08. Review status: criteria provided, single submitter. Criteria: ACGS Best Practice Guidelines for Variant Classification in Rare Disease 2020. Collection method: clinical testing. Allele origin: germline. Affected: yes.
Comment: PVS1,PS4_Supporting,PM2,PP4

GeneDx
Classification: Pathogenic. Last evaluated: 2017-03-10. Review status: criteria provided, single submitter. Criteria: GeneDx Variant Classification (06012015). Collection method: clinical testing. Allele origin: germline. Affected: yes.
Comment: The Q383X nonsense variant in the PHEX gene is predicted to cause loss of normal protein function either through protein truncation or nonsense-mediated mRNA decay. It is not observed in large population cohorts (Lek et al., 2016; 1000 Genomes Consortium et al., 2015; Exome Variant Server).

NM_000444.6(PHEX):c.1147C>T (p.Gln383Ter)

Gene: PHEX (phosphate regulating endopeptidase X-linked; plus strand). Cytogenetic location: Xp22.11.
Variant type: single nucleotide variant.
Coding change: c.1147C>T on transcript NM_000444.6 (MANE Select); coding-DNA position 1147, C replaced by T.
Protein change: p.Gln383Ter; replaces glutamine 383 with a stop codon.
Molecular consequence: nonsense.
Genome position (GRCh38, 1-based): chrX:22,111,534, C>T. VCF-style: chrX-22111534-C-T. GRCh37 (hg19) VCF-style: chrX-22129652-C-T.
Other names: c.1147C>T, p.Gln383Ter (NM_001282754.2); short protein forms Q383*.
Identifiers: ClinVar variation 424372 (VCV000424372.3), dbSNP rs1064796942, ClinGen allele CA16621319.